The following is an entry in ClinVar:

NM_001379286.1(ZNF423):c.1645T>G (p.Cys549Gly)

Gene: ZNF423 (zinc finger protein 423; minus strand). Cytogenetic location: 16q12.1.
Variant type: single nucleotide variant.
Coding change: c.1645T>G on transcript NM_001379286.1 (MANE Select); coding-DNA position 1645, T replaced by G.
Protein change: p.Cys549Gly; replaces cysteine 549 with glycine.
Molecular consequence: missense variant.
Genome position (GRCh38, 1-based): chr16:49,637,531, A>C on the plus strand (T>G on the coding strand, the complement: ZNF423 is on the minus strand). VCF-style: chr16-49637531-A-C. GRCh37 (hg19) VCF-style: chr16-49671442-A-C.
Other names: c.1441T>G, p.Cys481Gly (NM_001271620.2); c.1270T>G, p.Cys424Gly (NM_001330533.2); c.1621T>G, p.Cys541Gly (NM_015069.5); short protein forms C424G, C481G, C549G, C541G.
Identifiers: ClinVar variation 4990469 (VCV004990469.1).

ClinVar aggregate classification (germline): Uncertain significance (1 of 4 stars; one submission).

Conditions:
ZNF423-related disorder. Also called: ZNF423-related condition.

gnomAD v4.1: 4 of 1,613,872 alleles (0.00025%); highest among the groups gnomAD compares: Admixed American, 0.0067%; no homozygotes.

Submission:

PreventionGenetics, part of Exact Sciences
Classification: Uncertain significance for ZNF423-related condition. Last evaluated: 2026-08-20. Review status: criteria provided, single submitter. Criteria: ACMG Guidelines, 2015. Collection method: clinical testing. Allele origin: germline.
Comment: The ZNF423 c.1621T>G variant is predicted to result in the amino acid substitution p.Cys541Gly. To our knowledge, this variant has not been reported in the literature or in a large population database (gnomAD), indicating this variant is rare. At this time, the clinical significance of this variant is uncertain due to the absence of conclusive functional and genetic evidence.